The following is an entry in ClinVar:

NM_000301.5(PLG):c.1878-6T>C

Gene: PLG (plasminogen; plus strand). Cytogenetic location: 6q26.
Variant type: single nucleotide variant.
Coding change: c.1878-6T>C on transcript NM_000301.5 (MANE Select); 6 bases into the intron before coding-DNA position 1878, T replaced by C.
Molecular consequence: intron variant.
Genome position (GRCh38, 1-based): chr6:160,739,062, T>C. VCF-style: chr6-160739062-T-C. GRCh37 (hg19) VCF-style: chr6-161160094-T-C.
Identifiers: ClinVar variation 715426 (VCV000715426.30), dbSNP rs192519670, ClinGen allele CA4087924.

ClinVar aggregate classification (germline): Conflicting classifications of pathogenicity. Review status: criteria provided, conflicting classifications (1 of 4 stars). 8 submissions from 8 submitters: Uncertain significance (1); Benign (2); Likely benign (2). 3 of the submissions do not count toward it. Last evaluated 2026-01-27.

Conditions:
PLG-related disorder. Also called: PLG-related condition.
Deep venous thrombosis. Also called: Deep vein thrombosis. Identifiers: MedGen C0149871, MeSH D020246, HP:0002625.

Allele frequency attached by ClinVar (database versions not stated): 1000 Genomes Project 0.00160; gnomAD exomes 0.00164 and 0.00313; ExAC 0.00169; gnomAD 0.00175 and 0.00178; TOPMed 0.00203; 1000 Genomes Project 30x 0.00234; ESP Exome Variant Server 0.00269.
gnomAD v4.1: 4,803 of 1,613,936 alleles (0.3%); highest among the groups gnomAD compares: Non-Finnish European, 0.38%; 8 homozygotes.

Submissions (8):

Labcorp Genetics (formerly Invitae), Labcorp
Classification: Benign. Last evaluated: 2026-01-27. Review status: criteria provided, single submitter. Criteria: Invitae Variant Classification Sherloc (09022015). Collection method: clinical testing. Allele origin: germline.

Blueprint Genetics
Classification: Likely benign. Last evaluated: 2024-11-26. Review status: criteria provided, single submitter. Criteria: ACMG Guidelines, 2015. Collection method: clinical testing. Allele origin: germline.

CeGaT Center for Human Genetics Tuebingen
Classification: Likely benign. Last evaluated: 2024-10-01. Review status: criteria provided, single submitter. Criteria: CeGaT Center For Human Genetics Tuebingen Variant Classification Criteria Version 2. Collection method: clinical testing. Allele origin: germline. Affected: yes. Observed: 1 variant allele.
Comment: PLG: BP4

Women's Health and Genetics/Laboratory Corporation of America, LabCorp
Classification: Benign. Last evaluated: 2023-03-07. Review status: criteria provided, single submitter. Criteria: LabCorp Variant Classification Summary - May 2015. Collection method: clinical testing. Allele origin: germline.
Comment: Variant summary: PLG c.1878-6T>C alters a non-conserved nucleotide located close to a canonical splice site and therefore could affect mRNA splicing, leading to a significantly altered protein sequence. 4/4 computational tools predict no significant impact on normal splicing. However, these predictions have yet to be confirmed by functional studies. The variant allele was found at a frequency of 0.0016 in 251472 control chromosomes (gnomAD). The observed variant frequency is approximately 1 fold of the estimated maximal expected allele frequency for a pathogenic variant in PLG causing Plasminogen Deficiency phenotype (0.0011), strongly suggesting that the variant is benign. c.1878-6T>C has been reported in the literature in an individual affected with Plasminogen Deficiency, however authors reported the individual also had other variants that increased thrombotic risk (example: Martin-Fernandez_2016). These report(s) do not provide unequivocal conclusions about association of the variant with Plasminogen Deficiency. To our knowledge, no experimental evidence demonstrating an impact on protein function has been reported. One clinical diagnostic laboratory has submitted clinical-significance assessments for this variant to ClinVar after 2014 and classified the variant as Benign. Based on the evidence outlined above, the variant was classified as benign.

ISTH-SSC Genomics in Thrombosis and Hemostasis, KU Leuven, Center for Molecular and Vascular Biology
Classification: Uncertain significance for Deep venous thrombosis. Review status: criteria provided, single submitter. Criteria: ACMG Guidelines, 2015. Collection method: clinical testing. Allele origin: unknown. Affected: yes.
Comment: Submitted to GoldVariant by Kathleen Freson, Center for Molecular and Vascular Biology, Leuven, Belgium

PreventionGenetics, part of Exact Sciences
Classification: Likely benign for PLG-related condition. Last evaluated: 2024-02-21. Review status: no assertion criteria provided. Collection method: clinical testing. Allele origin: germline. Not counted in ClinVar's aggregate classification.
Comment: This variant is classified as likely benign based on ACMG/AMP sequence variant interpretation guidelines (Richards et al. 2015 PMID: 25741868, with internal and published modifications).

Clinical Genetics DNA and cytogenetics Diagnostics Lab, Erasmus MC, Erasmus Medical Center
Classification: Likely benign. Review status: no assertion criteria provided. Collection method: clinical testing. Allele origin: germline. Affected: yes. Study: VKGL Data-share Consensus. Not counted in ClinVar's aggregate classification.

Genome Diagnostics Laboratory, University Medical Center Utrecht
Classification: Likely benign. Review status: no assertion criteria provided. Collection method: clinical testing. Allele origin: germline. Affected: yes. Study: VKGL Data-share Consensus. Not counted in ClinVar's aggregate classification.

Literature cited by the submitters: PubMed 27976734 (cited by Women's Health and Genetics/Laboratory Corporation of America, LabCorp); PubMed 34355501 (cited by ISTH-SSC Genomics in Thrombosis and Hemostasis, KU Leuven, Center for Molecular and Vascular Biology).